The following is an entry in ClinVar:

ClinVar aggregate classification (germline): Uncertain significance (1 of 4 stars; one submission).

Submission:

Labcorp Genetics (formerly Invitae), Labcorp
Classification: Uncertain significance. Last evaluated: 2024-12-02. Review status: criteria provided, single submitter. Criteria: Invitae Variant Classification Sherloc (09022015). Collection method: clinical testing. Allele origin: germline.
Comment: This sequence change replaces cysteine, which is neutral and slightly polar, with tyrosine, which is neutral and polar, at codon 915 of the HPS3 protein (p.Cys915Tyr). This variant is present in population databases (no rsID available, gnomAD 0.001%). This variant has not been reported in the literature in individuals affected with HPS3-related conditions. ClinVar contains an entry for this variant (Variation ID: 2177365). An algorithm developed to predict the effect of missense changes on protein structure and function (PolyPhen-2) suggests that this variant is likely to be disruptive. In summary, the available evidence is currently insufficient to determine the role of this variant in disease. Therefore, it has been classified as a Variant of Uncertain Significance.

NM_032383.5(HPS3):c.2744_2745delinsAT (p.Cys915Tyr)

Genes: CP (ceruloplasmin; minus strand), HPS3 (HPS3 biogenesis of lysosomal organelles complex 2 subunit 1; plus strand). Cytogenetic location: 3q24.
Variant type: Indel.
Coding change: c.2744_2745delinsAT on transcript NM_032383.5 (MANE Select); coding-DNA positions 2744 to 2745, GC replaced by AT.
Protein change: p.Cys915Tyr; replaces cysteine 915 with tyrosine.
Molecular consequence: missense variant.
Genome position (GRCh38, 1-based): chr3:149,167,188-149,167,189, GC replaced by AT. VCF-style: chr3-149167188-GC-AT. GRCh37 (hg19) VCF-style: chr3-148884975-GC-AT.
Other names: c.2249_2250delinsAT, p.Cys750Tyr (NM_001308258.2); short protein forms C915Y, C750Y.
Identifiers: ClinVar variation 2177365 (VCV002177365.4), dbSNP rs2472689016, ClinGen allele CA2580069039.
Genomic context (GRCh38, chr3:149,167,188, plus strand): 5'-TTCTGTGTCGTACACGCTTGAAAGAGTATGAACAGTGCATAGACATACTGTTAGAGAGAT[GC>AT]CCGGAGGCAGTCATTCCATATGCTAATCATGAACTGAAAGAAGAGAACCGGGTATGCTTT-3'
Protein context (NP_115759.2, residues 905-925): EQCIDILLER[Cys915Tyr]PEAVIPYANH